The following is an entry in ClinVar:

ClinVar aggregate classification (germline): Pathogenic (1 of 4 stars; one submission).

Conditions:
Familial thoracic aortic aneurysm and aortic dissection (TAAD). Also called: Thoracic aortic aneurysms and dissections. Identifiers: Orphanet 91387, MedGen C4707243, MONDO:0019625.
Marfan syndrome (MFS). Also called: Marfan syndrome type 1; Marfan's syndrome; Marfan syndrome, classic; MARFAN SYNDROME, TYPE I; FBN1-Related Marfan Syndrome. Identifiers: Orphanet 284963, Orphanet 558, MedGen C0024796, MONDO:0007947, OMIM 154700.

Submission:

Labcorp Genetics (formerly Invitae), Labcorp
Classification: Pathogenic for Marfan syndrome; Familial thoracic aortic aneurysm and aortic dissection. Last evaluated: 2020-01-31. Review status: criteria provided, single submitter. Criteria: Invitae Variant Classification Sherloc (09022015). Collection method: clinical testing. Allele origin: germline.
Comment: This variant is not present in population databases (ExAC no frequency). This sequence change creates a premature translational stop signal (p.Glu2566*) in the FBN1 gene. It is expected to result in an absent or disrupted protein product. For these reasons, this variant has been classified as Pathogenic. Loss-of-function variants in FBN1 are known to be pathogenic (PMID: 17657824, 19293843). This variant has not been reported in the literature in individuals with FBN1-related conditions.

Literature cited by the submitters: PubMed 17657824; PubMed 19293843.

NM_000138.5(FBN1):c.7696G>T (p.Glu2566Ter)

Gene: FBN1 (fibrillin 1; minus strand). Cytogenetic location: 15q21.1.
Variant type: single nucleotide variant.
Coding change: c.7696G>T on transcript NM_000138.5 (MANE Select); coding-DNA position 7696, G replaced by T.
Protein change: p.Glu2566Ter; replaces glutamic acid 2566 with a stop codon.
Molecular consequence: nonsense.
Genome position (GRCh38, 1-based): chr15:48,421,561, C>A on the plus strand (G>T on the coding strand, the complement: FBN1 is on the minus strand). VCF-style: chr15-48421561-C-A. GRCh37 (hg19) VCF-style: chr15-48713758-C-A.
Other names: short protein forms E2566*.
Identifiers: ClinVar variation 1071449 (VCV001071449.7), dbSNP rs2141221739, ClinGen allele CA392324921.